The following is an entry in ClinVar:

NM_001363711.2(DUOX2):c.4623C>T (p.Phe1541=)

Gene: DUOX2 (dual oxidase 2; minus strand). Cytogenetic location: 15q21.1.
Variant type: single nucleotide variant.
Coding change: c.4623C>T on transcript NM_001363711.2 (MANE Select); coding-DNA position 4623, C replaced by T.
Protein change: p.Phe1541=; no amino-acid change (phenylalanine 1541 retained).
Molecular consequence: synonymous variant.
Genome position (GRCh38, 1-based): chr15:45,094,174, G>A on the plus strand (C>T on the coding strand, the complement: DUOX2 is on the minus strand). VCF-style: chr15-45094174-G-A. GRCh37 (hg19) VCF-style: chr15-45386372-G-A.
Other names: c.4623C>T, p.Phe1541= (NM_014080.5).
Identifiers: ClinVar variation 3043268 (VCV003043268.2), dbSNP rs1749635620, ClinGen allele CA490330856.
Genomic context (GRCh38, chr15:45,094,174, plus strand): 5'-GCAGGATACTGGAAGCAGCAGCCAGGGAGGACAGGCTCAGAAGTTCTCATAGTGGTGCAT[G>A]AAGTGGGCTCGGTCCTGCCTGTTGACGAGCTGACAGGCCTTCTCTACATTCTTGGTCATT-3'
Protein context (NP_001350640.1, residues 1531-1548): QLVNRQDRAH[Phe1541=]MHHYENF

ClinVar aggregate classification (germline): Likely benign (0 of 4 stars; one submission).

Conditions:
DUOX2-related disorder. Also called: DUOX2-related condition.

Allele frequency attached by ClinVar (database versions not stated): gnomAD exomes 0.00001.

Submission:

PreventionGenetics, part of Exact Sciences
Classification: Likely benign for DUOX2-related condition. Last evaluated: 2019-06-21. Review status: no assertion criteria provided. Collection method: clinical testing. Allele origin: germline.
Comment: This variant is classified as likely benign based on ACMG/AMP sequence variant interpretation guidelines (Richards et al. 2015 PMID: 25741868, with internal and published modifications).